The following is an entry in ClinVar:

ClinVar aggregate classification (germline): Uncertain significance. Review status: criteria provided, multiple submitters, no conflicts (2 of 4 stars). 2 submissions from 2 submitters: Uncertain significance (2). Last evaluated 2021-09-18.

Conditions:
Familial temporal lobe epilepsy 7. Identifiers: Orphanet 101046, MedGen C4225327, MONDO:0014639, OMIM 616436.
Norman-Roberts syndrome (LIS2). Also called: Lissencephaly 2 (Norman-Roberts type). Identifiers: Orphanet 89844, MedGen C0796089, MONDO:0009760, OMIM 257320.

Allele frequency attached by ClinVar (database versions not stated): gnomAD exomes below 0.00001 and 0.00001; gnomAD 0.00001; TOPMed 0.00001.

Submissions (2):

Labcorp Genetics (formerly Invitae), Labcorp
Classification: Uncertain significance for Familial temporal lobe epilepsy 7; Norman-Roberts syndrome. Last evaluated: 2021-09-18. Review status: criteria provided, single submitter. Criteria: Invitae Variant Classification Sherloc (09022015). Collection method: clinical testing. Allele origin: germline.
Comment: In summary, the available evidence is currently insufficient to determine the role of this variant in disease. Therefore, it has been classified as a Variant of Uncertain Significance. Algorithms developed to predict the effect of sequence changes on RNA splicing suggest that this variant may create or strengthen a splice site. Algorithms developed to predict the effect of missense changes on protein structure and function (SIFT, PolyPhen-2, Align-GVGD) all suggest that this variant is likely to be tolerated. ClinVar contains an entry for this variant (Variation ID: 288993). This variant has not been reported in the literature in individuals affected with RELN-related conditions. This variant is not present in population databases (ExAC no frequency). This sequence change replaces asparagine with serine at codon 3029 of the RELN protein (p.Asn3029Ser). The asparagine residue is moderately conserved and there is a small physicochemical difference between asparagine and serine.

Eurofins Ntd Llc (ga)
Classification: Uncertain significance. Last evaluated: 2016-07-07. Review status: criteria provided, single submitter. Criteria: EGL Classification Definitions 2015. Collection method: clinical testing. Allele origin: germline. Observed: 2 variant alleles, 2 heterozygotes.

NM_005045.4(RELN):c.9086A>G (p.Asn3029Ser)

Genes: RELN (reelin; minus strand), SLC26A5-AS1 (SLC26A5 antisense RNA 1; plus strand). Cytogenetic location: 7q22.1.
Variant type: single nucleotide variant.
Coding change: c.9086A>G on transcript NM_005045.4 (MANE Select); coding-DNA position 9086, A replaced by G.
Protein change: p.Asn3029Ser; replaces asparagine 3029 with serine.
Molecular consequence: missense variant.
Genome position (GRCh38, 1-based): chr7:103,496,633, T>C on the plus strand (A>G on the coding strand, the complement: RELN is on the minus strand). VCF-style: chr7-103496633-T-C. GRCh37 (hg19) VCF-style: chr7-103137080-T-C.
Other names: c.9086A>G, p.Asn3029Ser (NM_173054.3); short protein forms N3029S.
Identifiers: ClinVar variation 288993 (VCV000288993.11), dbSNP rs886044056, ClinGen allele CA10606291.